The following is an entry in ClinVar:

NM_002857.4(PEX19):c.*169C>T

Gene: PEX19 (peroxisomal biogenesis factor 19; minus strand). Cytogenetic location: 1q23.2.
Variant type: single nucleotide variant.
Coding change: c.*169C>T on transcript NM_002857.4 (MANE Select); 169 bases downstream of the stop codon, C replaced by T.
Molecular consequence: 3 prime UTR variant. On other transcripts: non-coding transcript variant (2).
Genome position (GRCh38, 1-based): chr1:160,279,382, G>A on the plus strand (C>T on the coding strand, the complement: PEX19 is on the minus strand). VCF-style: chr1-160279382-G-A. GRCh37 (hg19) VCF-style: chr1-160249172-G-A.
Other names: c.*177C>T (NM_001193644.1).
Identifiers: ClinVar variation 293224 (VCV000293224.5), dbSNP rs192931972, ClinGen allele CA1197158.

ClinVar aggregate classification (germline): Likely benign (1 of 4 stars; one submission).

Conditions:
Peroxisome biogenesis disorder 12A (Zellweger). Also called: Peroxisome biogenesis disorder 12A. Identifiers: Orphanet 912, MedGen C3554002, MONDO:0013951, OMIM 614886.

Allele frequency attached by ClinVar (database versions not stated): gnomAD 0.00016 and 0.00023; TOPMed 0.00019; gnomAD exomes 0.00032 and 0.00049; ExAC 0.00057; 1000 Genomes Project 0.00140; 1000 Genomes Project 30x 0.00141.
gnomAD v4.1: 213 of 710,604 alleles (0.03%); highest among the groups gnomAD compares: East Asian, 0.53%; no homozygotes.

Submission:

Illumina Laboratory Services, Illumina
Classification: Likely benign for Peroxisome biogenesis disorder 12A (Zellweger). Last evaluated: 2018-01-12. Review status: criteria provided, single submitter. Criteria: ICSL Variant Classification Criteria 13 December 2019. Collection method: clinical testing. Allele origin: germline.
Comment: This variant was observed in the ICSL laboratory as part of a predisposition screen in an ostensibly healthy population. It had not been previously curated by ICSL or reported in the Human Gene Mutation Database (HGMD: prior to June 1st, 2018), and was therefore a candidate for classification through an automated scoring system. Utilizing variant allele frequency, disease prevalence and penetrance estimates, and inheritance mode, an automated score was calculated to assess if this variant is too frequent to cause the disease. Based on the score and internal cut-off values, a variant classified as likely benign is not then subjected to further curation. The score for this variant resulted in a classification of likely benign for this disease.